The following is an entry in ClinVar:

NC_000023.11:g.18653537G>T

Genes: CDKL5 (cyclin dependent kinase like 5; plus strand), RS1 (retinoschisin 1; minus strand). Cytogenetic location: Xp22.13.
Variant type: single nucleotide variant.
Molecular consequence: intron variant (on NM_000330.4). On other transcripts: missense variant (2).
Genome position: GRCh38 VCF-style: chrX-18653537-G-T. GRCh37 (hg19) VCF-style: chrX-18671657-G-T.
Other names: c.3086G>T, p.Gly1029Val (NM_001037343.2, NM_003159.3); c.184+3116C>A (NM_000330.4); short protein forms G1029V.
Identifiers: ClinVar variation 3752448 (VCV003752448.2).

ClinVar aggregate classification (germline): Uncertain significance (1 of 4 stars; one submission).

Conditions:
Developmental and epileptic encephalopathy, 2 (DEE2). Also called: CDKL5 deficiency disorder; INFANTILE SPASM SYNDROME, X-LINKED 2. Identifiers: Orphanet 1934, Orphanet 3451, Orphanet 505652, MedGen C4750718, MONDO:0010396, OMIM 300672.
Angelman syndrome-like. Identifiers: MedGen CN128785.

gnomAD v4.1: 1 of 1,211,713 alleles (0.000083%); highest among the groups gnomAD compares: Non-Finnish European, 0.00011%; no homozygotes.

Submission:

Labcorp Genetics (formerly Invitae), Labcorp
Classification: Uncertain significance for Developmental and epileptic encephalopathy, 2; Angelman syndrome-like. Last evaluated: 2024-12-22. Review status: criteria provided, single submitter. Criteria: Invitae Variant Classification Sherloc (09022015). Collection method: clinical testing. Allele origin: germline.
Comment: This sequence change replaces glycine, which is neutral and non-polar, with valine, which is neutral and non-polar, at codon 1029 of the CDKL5 protein (p.Gly1029Val). This variant is present in population databases (no rsID available, gnomAD 0.001%). This variant has not been reported in the literature in individuals affected with CDKL5-related conditions. Invitae Evidence Modeling of protein sequence and biophysical properties (such as structural, functional, and spatial information, amino acid conservation, physicochemical variation, residue mobility, and thermodynamic stability) indicates that this missense variant is not expected to disrupt CDKL5 protein function with a negative predictive value of 95%. In summary, the available evidence is currently insufficient to determine the role of this variant in disease. Therefore, it has been classified as a Variant of Uncertain Significance.